The following is an entry in ClinVar:

NM_001375524.1(TRRAP):c.6674G>A (p.Arg2225His)

Gene: TRRAP (transformation/transcription domain associated protein; plus strand). Cytogenetic location: 7q22.1.
Variant type: single nucleotide variant.
Coding change: c.6674G>A on transcript NM_001375524.1 (MANE Select); coding-DNA position 6674, G replaced by A.
Protein change: p.Arg2225His; replaces arginine 2225 with histidine.
Molecular consequence: missense variant.
Genome position (GRCh38, 1-based): chr7:98,961,445, G>A. VCF-style: chr7-98961445-G-A. GRCh37 (hg19) VCF-style: chr7-98559068-G-A.
Other names: c.6653G>A, p.Arg2218His (NM_001244580.2); c.6599G>A, p.Arg2200His (NM_003496.4); short protein forms R2218H, R2200H, R2225H.
Identifiers: ClinVar variation 2974056 (VCV002974056.3), dbSNP rs755689060, ClinGen allele CA4360930.

ClinVar aggregate classification (germline): Uncertain significance (1 of 4 stars; one submission).

Allele frequency attached by ClinVar (database versions not stated): ExAC 0.00001; TOPMed 0.00001; gnomAD 0.00003.

Submission:

Labcorp Genetics (formerly Invitae), Labcorp
Classification: Uncertain significance. Last evaluated: 2024-12-17. Review status: criteria provided, single submitter. Criteria: Invitae Variant Classification Sherloc (09022015). Collection method: clinical testing. Allele origin: germline.
Comment: This sequence change replaces arginine, which is basic and polar, with histidine, which is basic and polar, at codon 2200 of the TRRAP protein (p.Arg2200His). This variant is present in population databases (rs755689060, gnomAD 0.003%). This variant has not been reported in the literature in individuals affected with TRRAP-related conditions. ClinVar contains an entry for this variant (Variation ID: 2974056). Invitae Evidence Modeling of protein sequence and biophysical properties (such as structural, functional, and spatial information, amino acid conservation, physicochemical variation, residue mobility, and thermodynamic stability) indicates that this missense variant is expected to disrupt TRRAP protein function with a positive predictive value of 80%. In summary, the available evidence is currently insufficient to determine the role of this variant in disease. Therefore, it has been classified as a Variant of Uncertain Significance.